The following is an entry in ClinVar:

ClinVar aggregate classification (germline): Uncertain significance (1 of 4 stars; one submission).

Conditions:
Propionic acidemia (PROP). Also called: GLYCINEMIA, KETOTIC; HYPERGLYCINEMIA WITH KETOACIDOSIS AND LEUKOPENIA; KETOTIC HYPERGLYCINEMIA. Identifiers: Orphanet 35, MedGen C0268579, MONDO:0011628, OMIM 606054, HP:0003571.

Submission:

Labcorp Genetics (formerly Invitae), Labcorp
Classification: Uncertain significance for Propionic acidemia. Last evaluated: 2021-05-30. Review status: criteria provided, single submitter. Criteria: Invitae Variant Classification Sherloc (09022015). Collection method: clinical testing. Allele origin: germline.
Comment: This variant results in a copy number gain of the genomic region encompassing exons 20-24 of the PCCA gene. The 5' boundary is likely confined to intron 19. The 3' end of this event is unknown as it extends beyond the assayed region for this gene and therefore may encompass additional genes. As the precise location of this event is unknown, it may be in tandem or it may be located elsewhere in the genome. This variant has not been reported in the literature in individuals with PCCA-related conditions. In summary, the available evidence is currently insufficient to determine the role of this variant in disease. Therefore, it has been classified as a Variant of Uncertain Significance.

NC_000013.10:g.(?_101077867)_(101182420_?)dup

Genes: GGACT (gamma-glutamylamine cyclotransferase; minus strand), PCCA (propionyl-CoA carboxylase subunit alpha; plus strand). Cytogenetic location: 13q32.3.
Variant type: Duplication.
Identifiers: ClinVar variation 2422808 (VCV002422808.2).